The following is an entry in ClinVar:

ClinVar aggregate classification (germline): Uncertain significance. Review status: criteria provided, multiple submitters, no conflicts (2 of 4 stars). 3 submissions from 3 submitters: Uncertain significance (3). Last evaluated 2025-08-27.

Conditions:
Dyskeratosis congenita. Identifiers: Orphanet 1775, MedGen C0265965, MONDO:0015780.
Dyskeratosis congenita, autosomal dominant 2. Identifiers: MedGen C3151443, MONDO:0013521, OMIM 613989.
Idiopathic Pulmonary Fibrosis. Also called: Idiopathic fibrosing alveolitis, chronic form; idiopathic fibrosing alveolitis. Identifiers: Orphanet 2032, MedGen C1800706, MeSH D054990, MONDO:0800504.

Allele frequency attached by ClinVar (database versions not stated): TOPMed below 0.00001; gnomAD exomes 0.00001; ExAC 0.00002.
gnomAD v4.1: 10 of 1,603,572 alleles (0.00062%); highest among the groups gnomAD compares: South Asian, 0.0011%; no homozygotes.

Submissions (3):

Ambry Genetics
Classification: Uncertain significance for Dyskeratosis congenita. Last evaluated: 2025-08-27. Review status: criteria provided, single submitter. Criteria: Ambry Variant Classification Scheme 2023. Collection method: clinical testing. Allele origin: germline.
Comment: The p.R471W variant (also known as c.1411C>T), located in coding exon 2 of the TERT gene, results from a C to T substitution at nucleotide position 1411. The arginine at codon 471 is replaced by tryptophan, an amino acid with dissimilar properties. This amino acid position is not well conserved in available vertebrate species. In addition, this alteration is predicted to be tolerated by in silico analysis. Based on the available evidence, the clinical significance of this variant remains unclear.

Labcorp Genetics (formerly Invitae), Labcorp
Classification: Uncertain significance for Dyskeratosis congenita, autosomal dominant 2; Idiopathic Pulmonary Fibrosis. Last evaluated: 2023-10-03. Review status: criteria provided, single submitter. Criteria: Invitae Variant Classification Sherloc (09022015). Collection method: clinical testing. Allele origin: germline.
Comment: This sequence change replaces arginine, which is basic and polar, with tryptophan, which is neutral and slightly polar, at codon 471 of the TERT protein (p.Arg471Trp). The frequency data for this variant in the population databases is considered unreliable, as metrics indicate poor data quality at this position in the gnomAD database. This variant has not been reported in the literature in individuals affected with TERT-related conditions. ClinVar contains an entry for this variant (Variation ID: 574952). Advanced modeling of protein sequence and biophysical properties (such as structural, functional, and spatial information, amino acid conservation, physicochemical variation, residue mobility, and thermodynamic stability) performed at Invitae indicates that this missense variant is expected to disrupt TERT protein function. In summary, the available evidence is currently insufficient to determine the role of this variant in disease. Therefore, it has been classified as a Variant of Uncertain Significance.

Baylor Genetics
Classification: Uncertain significance for Dyskeratosis congenita, autosomal dominant 2. Last evaluated: 2023-09-25. Review status: criteria provided, single submitter. Criteria: ACMG Guidelines, 2015. Collection method: clinical testing. Allele origin: unknown.

NM_198253.3(TERT):c.1411C>T (p.Arg471Trp)

Gene: TERT (telomerase reverse transcriptase; minus strand). Cytogenetic location: 5p15.33.
Variant type: single nucleotide variant.
Coding change: c.1411C>T on transcript NM_198253.3 (MANE Select); coding-DNA position 1411, C replaced by T.
Protein change: p.Arg471Trp; replaces arginine 471 with tryptophan.
Molecular consequence: missense variant. On other transcripts: non-coding transcript variant (2).
Genome position (GRCh38, 1-based): chr5:1,293,475, G>A on the plus strand (C>T on the coding strand, the complement: TERT is on the minus strand). VCF-style: chr5-1293475-G-A. GRCh37 (hg19) VCF-style: chr5-1293590-G-A.
Other names: c.1411C>T, p.Arg471Trp (NM_001193376.3); short protein forms R471W.
Identifiers: ClinVar variation 574952 (VCV000574952.9), dbSNP rs750721558, ClinGen allele CA3184847.